The following is an entry in ClinVar:

NM_019594.4(LRRC8A):c.1272G>A (p.Ala424=)

Gene: LRRC8A (leucine rich repeat containing 8 VRAC subunit A; plus strand). Cytogenetic location: 9q34.11.
Variant type: single nucleotide variant.
Coding change: c.1272G>A on transcript NM_019594.4 (MANE Select); coding-DNA position 1272, G replaced by A.
Protein change: p.Ala424=; no amino-acid change (alanine 424 retained).
Molecular consequence: synonymous variant.
Genome position (GRCh38, 1-based): chr9:128,908,436, G>A. VCF-style: chr9-128908436-G-A. GRCh37 (hg19) VCF-style: chr9-131670715-G-A.
Other names: c.1272G>A, p.Ala424= (NM_001127244.2, NM_001127245.2).
Identifiers: ClinVar variation 1013336 (VCV001013336.40), dbSNP rs745809785, ClinGen allele CA5270860.
Genomic context (GRCh38, chr9:128,908,436, plus strand): 5'-GCTGAACCTCAACAACGAGTGGACGCTGGACAAGCTCCGGCAGCGGCTCACCAAGAACGC[G>A]CAGGACAAGCTGGAGCTGCACCTGTTCATGCTCAGTGGCATCCCTGACACTGTGTTTGAC-3'
Protein context (NP_062540.2, residues 414-434): DKLRQRLTKN[Ala424=]QDKLELHLFM

ClinVar aggregate classification (germline): Likely benign. Review status: criteria provided, multiple submitters, no conflicts (2 of 4 stars). 2 submissions from 2 submitters: Likely benign (2). Last evaluated 2024-12-22.

Allele frequency attached by ClinVar (database versions not stated): gnomAD 0.00001; ExAC 0.00002; TOPMed 0.00003.
gnomAD v4.1: 60 of 1,613,308 alleles (0.0037%); highest among the groups gnomAD compares: Middle Eastern, 0.016%; no homozygotes.

Submissions (2):

Labcorp Genetics (formerly Invitae), Labcorp
Classification: Likely benign. Last evaluated: 2024-12-22. Review status: criteria provided, single submitter. Criteria: Invitae Variant Classification Sherloc (09022015). Collection method: clinical testing. Allele origin: germline.

CeGaT Center for Human Genetics Tuebingen
Classification: Likely benign. Last evaluated: 2022-12-01. Review status: criteria provided, single submitter. Criteria: CeGaT Center For Human Genetics Tuebingen Variant Classification Criteria Version 2. Collection method: clinical testing. Allele origin: germline. Affected: yes. Observed: 2 variant alleles.
Comment: LRRC8A: BP4, BP7